The following is an entry in ClinVar:

NM_020166.5(MCCC1):c.89+2_89+4del

Gene: MCCC1 (methylcrotonyl-CoA carboxylase subunit 1; minus strand). Cytogenetic location: 3q27.1.
Variant type: Deletion.
Coding change: c.89+2_89+4del on transcript NM_020166.5 (MANE Select); the canonical splice donor site of the intron after coding-DNA position 89 through 4 bases into the intron after coding-DNA position 89, 3 bases deleted (TGG; older notation c.89+2_89+4delTGG).
Molecular consequence: splice donor variant.
Genome position (GRCh38, 1-based): chr3:183,099,348-183,099,350, CCA deleted on the plus strand (TGG on the coding strand, the reverse complement: MCCC1 is on the minus strand); deleting any 3 consecutive bases within chr3:183,099,348-183,099,352 gives the same sequence; the c. name uses the placement nearest the transcript's 3' end. VCF-style (leftmost placement, unchanged base first): chr3-183099347-CCCA-C. GRCh37 (hg19) VCF-style: chr3-182817135-CCCA-C.
Other names: c.89+2_89+4del (NM_020166.4); c.-102+2_-102+4del (NM_001363880.1); c.-4+2_-4+4del (NM_001293273.2).
Identifiers: ClinVar variation 2676464 (VCV002676464.2), dbSNP rs778741620, ClinGen allele CA2719227.

ClinVar aggregate classification (germline): Likely pathogenic. Review status: criteria provided, multiple submitters, no conflicts (2 of 4 stars). 2 submissions from 2 submitters: Likely pathogenic (2). Last evaluated 2026-01-12.

Conditions:
3-methylcrotonyl-CoA carboxylase 1 deficiency (MCC1D). Also called: MCCD TYPE 1; METHYLCROTONYLGLYCINURIA TYPE I; MCC 1 deficiency; 3 Alpha methylcrotonylglycinuria 1. Identifiers: Orphanet 6, MedGen CN028786, MONDO:0008861, OMIM 210200.

Submissions (2):

Natera, Inc.
Classification: Likely pathogenic for 3-methylcrotonyl-CoA carboxylase 1 deficiency. Last evaluated: 2026-01-12. Review status: criteria provided, single submitter. Criteria: Natera Variant Classification Schema (03/2026). Collection method: clinical testing. Allele origin: germline.
Comment: The c.89+2_89+4del variant in MCCC1 is a canonical splice donor site variant predicted to affect pre-mRNA splicing, which may result in an abnormal transcript and altered protein product. This variant is expected to result in nonsense mediated decay, truncation, or a dysfunctional protein product. This variant is rare in the general population with a frequency below the threshold expected for the associated phenotype(s). Given the available evidence, this variant is classified as Likely Pathogenic.

Baylor Genetics
Classification: Likely pathogenic for 3-methylcrotonyl-CoA carboxylase 1 deficiency. Last evaluated: 2023-01-02. Review status: criteria provided, single submitter. Criteria: ACMG Guidelines, 2015. Collection method: clinical testing. Allele origin: unknown.